The following is an entry in ClinVar:

NM_001164508.2(NEB):c.4520T>G (p.Val1507Gly)

Gene: NEB (nebulin; minus strand). Cytogenetic location: 2q23.3.
Variant type: single nucleotide variant.
Coding change: c.4520T>G on transcript NM_001164508.2 (MANE Select); coding-DNA position 4520, T replaced by G.
Protein change: p.Val1507Gly; replaces valine 1507 with glycine.
Molecular consequence: missense variant.
Genome position (GRCh38, 1-based): chr2:151,669,118, A>C on the plus strand (T>G on the coding strand, the complement: NEB is on the minus strand). VCF-style: chr2-151669118-A-C. GRCh37 (hg19) VCF-style: chr2-152525632-A-C.
Other names: c.4520T>G, p.Val1507Gly (NM_001164507.2, NM_001271208.2, NM_004543.5); short protein forms V1507G.
Identifiers: ClinVar variation 1962691 (VCV001962691.2), dbSNP rs2552259349, ClinGen allele CA348815136.

ClinVar aggregate classification (germline): Uncertain significance (1 of 4 stars; one submission).

Conditions:
Nemaline myopathy 2 (NEM2). Also called: Nemaline myopathy 2, autosomal recessive. Identifiers: MedGen C1850569, MONDO:0009725, OMIM 256030.

Submission:

Labcorp Genetics (formerly Invitae), Labcorp
Classification: Uncertain significance for Nemaline myopathy 2. Last evaluated: 2022-08-04. Review status: criteria provided, single submitter. Criteria: Invitae Variant Classification Sherloc (09022015). Collection method: clinical testing. Allele origin: germline.
Comment: This sequence change replaces valine, which is neutral and non-polar, with glycine, which is neutral and non-polar, at codon 1507 of the NEB protein (p.Val1507Gly). This variant is not present in population databases (gnomAD no frequency). This variant has not been reported in the literature in individuals affected with NEB-related conditions. Algorithms developed to predict the effect of missense changes on protein structure and function are either unavailable or do not agree on the potential impact of this missense change (SIFT: "Deleterious"; PolyPhen-2: "Not Available"; Align-GVGD: "Class C0"). In summary, the available evidence is currently insufficient to determine the role of this variant in disease. Therefore, it has been classified as a Variant of Uncertain Significance.